The following is an entry in ClinVar:

NM_198271.5(LMOD3):c.990C>G (p.Ile330Met)

Gene: LMOD3 (leiomodin 3; minus strand). Cytogenetic location: 3p14.1.
Variant type: single nucleotide variant.
Coding change: c.990C>G on transcript NM_198271.5 (MANE Select); coding-DNA position 990, C replaced by G.
Protein change: p.Ile330Met; replaces isoleucine 330 with methionine.
Molecular consequence: missense variant.
Genome position (GRCh38, 1-based): chr3:69,119,365, G>C on the plus strand (C>G on the coding strand, the complement: LMOD3 is on the minus strand). VCF-style: chr3-69119365-G-C. GRCh37 (hg19) VCF-style: chr3-69168516-G-C.
Other names: c.990C>G, p.Ile330Met (NM_001304418.3); c.990C>G (NM_198271.4); short protein forms I330M.
Identifiers: ClinVar variation 2148132 (VCV002148132.5), dbSNP rs745597770, ClinGen allele CA2488879.

ClinVar aggregate classification (germline): Uncertain significance. Review status: criteria provided, multiple submitters, no conflicts (2 of 4 stars). 2 submissions from 2 submitters: Uncertain significance (2). Last evaluated 2023-05-02.

Conditions:
Nemaline myopathy 10 (NEM10). Identifiers: MedGen C4015360, MONDO:0014513, OMIM 616165.

Allele frequency attached by ClinVar (database versions not stated): ExAC 0.00002; gnomAD 0.00004.

Submissions (2):

GeneDx
Classification: Uncertain significance. Last evaluated: 2023-05-02. Review status: criteria provided, single submitter. Criteria: GeneDx Variant Classification Process June 2021. Collection method: clinical testing. Allele origin: germline. Affected: yes.
Comment: In silico analysis supports that this missense variant does not alter protein structure/function; Has not been previously published as pathogenic or benign to our knowledge

Labcorp Genetics (formerly Invitae), Labcorp
Classification: Uncertain significance for Nemaline myopathy 10. Last evaluated: 2022-07-27. Review status: criteria provided, single submitter. Criteria: Invitae Variant Classification Sherloc (09022015). Collection method: clinical testing. Allele origin: germline.
Comment: In summary, the available evidence is currently insufficient to determine the role of this variant in disease. Therefore, it has been classified as a Variant of Uncertain Significance. Algorithms developed to predict the effect of missense changes on protein structure and function are either unavailable or do not agree on the potential impact of this missense change (SIFT: "Deleterious"; PolyPhen-2: "Probably Damaging"; Align-GVGD: "Class C0"). This variant has not been reported in the literature in individuals affected with LMOD3-related conditions. This variant is present in population databases (rs745597770, gnomAD 0.02%). This sequence change replaces isoleucine, which is neutral and non-polar, with methionine, which is neutral and non-polar, at codon 330 of the LMOD3 protein (p.Ile330Met).